The following is an entry in ClinVar:

NM_000532.5(PCCB):c.793G>A (p.Val265Ile)

Gene: PCCB (propionyl-CoA carboxylase subunit beta; plus strand). Cytogenetic location: 3q22.3.
Variant type: single nucleotide variant.
Coding change: c.793G>A on transcript NM_000532.5 (MANE Select); coding-DNA position 793, G replaced by A.
Protein change: p.Val265Ile; replaces valine 265 with isoleucine.
Molecular consequence: missense variant.
Genome position (GRCh38, 1-based): chr3:136,297,981, G>A. VCF-style: chr3-136297981-G-A. GRCh37 (hg19) VCF-style: chr3-136016823-G-A.
Other names: c.853G>A, p.Val285Ile (NM_001178014.2); short protein forms V265I, V285I.
Identifiers: ClinVar variation 2416615 (VCV002416615.3), dbSNP rs764731046, ClinGen allele CA83796512.

ClinVar aggregate classification (germline): Uncertain significance (1 of 4 stars; one submission).

Conditions:
Propionic acidemia (PROP). Also called: GLYCINEMIA, KETOTIC; HYPERGLYCINEMIA WITH KETOACIDOSIS AND LEUKOPENIA; KETOTIC HYPERGLYCINEMIA. Identifiers: Orphanet 35, MedGen C0268579, MONDO:0011628, OMIM 606054, HP:0003571.

Allele frequency attached by ClinVar (database versions not stated): gnomAD 0.00001; TOPMed 0.00001.
gnomAD v4.1: 1 of 1,614,010 alleles (0.000062%); highest among the groups gnomAD compares: African/African-American, 0.0013%; no homozygotes.

Submission:

Labcorp Genetics (formerly Invitae), Labcorp
Classification: Uncertain significance for Propionic acidemia. Last evaluated: 2022-01-13. Review status: criteria provided, single submitter. Criteria: Invitae Variant Classification Sherloc (09022015). Collection method: clinical testing. Allele origin: germline.
Comment: This sequence change replaces valine, which is neutral and non-polar, with isoleucine, which is neutral and non-polar, at codon 265 of the PCCB protein (p.Val265Ile). This variant is not present in population databases (gnomAD no frequency). This variant has not been reported in the literature in individuals affected with PCCB-related conditions. Advanced modeling of protein sequence and biophysical properties (such as structural, functional, and spatial information, amino acid conservation, physicochemical variation, residue mobility, and thermodynamic stability) performed at Invitae indicates that this missense variant is not expected to disrupt PCCB protein function. In summary, the available evidence is currently insufficient to determine the role of this variant in disease. Therefore, it has been classified as a Variant of Uncertain Significance.